The following is an entry in ClinVar:

NM_020821.3(VPS13C):c.8415C>A (p.Phe2805Leu)

Gene: VPS13C (vacuolar protein sorting 13 homolog C; minus strand). Cytogenetic location: 15q22.2.
Variant type: single nucleotide variant.
Coding change: c.8415C>A on transcript NM_020821.3 (MANE Select); coding-DNA position 8415, C replaced by A.
Protein change: p.Phe2805Leu; replaces phenylalanine 2805 with leucine.
Molecular consequence: missense variant.
Genome position (GRCh38, 1-based): chr15:61,915,663, G>T on the plus strand (C>A on the coding strand, the complement: VPS13C is on the minus strand). VCF-style: chr15-61915663-G-T. GRCh37 (hg19) VCF-style: chr15-62207862-G-T.
Other names: c.8415C>A, p.Phe2805Leu (NM_001018088.3); c.8286C>A, p.Phe2762Leu (NM_017684.5, NM_018080.4); short protein forms F2805L, F2762L.
Identifiers: ClinVar variation 3718766 (VCV003718766.2).

ClinVar aggregate classification (germline): Uncertain significance (1 of 4 stars; one submission).

gnomAD v4.1: 34 of 1,600,424 alleles (0.0021%); highest among the groups gnomAD compares: South Asian, 0.03%; no homozygotes.

Submission:

Labcorp Genetics (formerly Invitae), Labcorp
Classification: Uncertain significance. Last evaluated: 2024-05-21. Review status: criteria provided, single submitter. Criteria: Invitae Variant Classification Sherloc (09022015). Collection method: clinical testing. Allele origin: germline.
Comment: This sequence change replaces phenylalanine, which is neutral and non-polar, with leucine, which is neutral and non-polar, at codon 2805 of the VPS13C protein (p.Phe2805Leu). This variant is present in population databases (rs572597703, gnomAD 0.04%). This variant has not been reported in the literature in individuals affected with VPS13C-related conditions. Advanced modeling of protein sequence and biophysical properties (such as structural, functional, and spatial information, amino acid conservation, physicochemical variation, residue mobility, and thermodynamic stability) performed at Invitae indicates that this missense variant is expected to disrupt VPS13C protein function with a positive predictive value of 80%. In summary, the available evidence is currently insufficient to determine the role of this variant in disease. Therefore, it has been classified as a Variant of Uncertain Significance.